The following is an entry in ClinVar:

ClinVar aggregate classification (germline): Uncertain significance (1 of 4 stars; one submission).

Conditions:
Cohen syndrome (COH1). Also called: PEPPER SYNDROME; Cutis verticis gyrata, retinitis pigmentosa, and sensorineural deafness. Identifiers: Orphanet 193, MedGen C0265223, MONDO:0008999, OMIM 216550.

Submission:

Labcorp Genetics (formerly Invitae), Labcorp
Classification: Uncertain significance for Cohen syndrome. Last evaluated: 2022-07-13. Review status: criteria provided, single submitter. Criteria: Invitae Variant Classification Sherloc (09022015). Collection method: clinical testing. Allele origin: germline.
Comment: This sequence change replaces glycine, which is neutral and non-polar, with glutamic acid, which is acidic and polar, at codon 2206 of the VPS13B protein (p.Gly2206Glu). This variant is not present in population databases (gnomAD no frequency). This variant has not been reported in the literature in individuals affected with VPS13B-related conditions. Algorithms developed to predict the effect of missense changes on protein structure and function are either unavailable or do not agree on the potential impact of this missense change (SIFT: "Not Available"; PolyPhen-2: "Probably Damaging"; Align-GVGD: "Not Available"). In summary, the available evidence is currently insufficient to determine the role of this variant in disease. Therefore, it has been classified as a Variant of Uncertain Significance.

NM_152564.5(VPS13B):c.6542G>A (p.Gly2181Glu)

Gene: VPS13B (vacuolar protein sorting 13 homolog B; plus strand). Cytogenetic location: 8q22.2.
Variant type: single nucleotide variant.
Coding change: c.6542G>A on transcript NM_152564.5 (MANE Select); coding-DNA position 6542, G replaced by A.
Protein change: p.Gly2181Glu; replaces glycine 2181 with glutamic acid.
Molecular consequence: missense variant.
Genome position (GRCh38, 1-based): chr8:99,717,258, G>A. VCF-style: chr8-99717258-G-A. GRCh37 (hg19) VCF-style: chr8-100729486-G-A.
Other names: c.6617G>A, p.Gly2206Glu (NM_017890.5); short protein forms G2206E, G2181E.
Identifiers: ClinVar variation 2045208 (VCV002045208.4), dbSNP rs2491562014, ClinGen allele CA371867259.